The following is an entry in ClinVar:

ClinVar aggregate classification (germline): Uncertain significance (1 of 4 stars; one submission).

Conditions:
Landau-Kleffner syndrome (FESD). Also called: EPILEPSY, FOCAL, WITH SPEECH DISORDER AND WITH OR WITHOUT MENTAL RETARDATION; APHASIA, ACQUIRED, WITH EPILEPSY. Identifiers: Orphanet 1945, Orphanet 725, Orphanet 98818, MedGen C0282512, MONDO:0009509, OMIM 245570.

Submission:

Labcorp Genetics (formerly Invitae), Labcorp
Classification: Uncertain significance for Landau-Kleffner syndrome. Last evaluated: 2023-10-13. Review status: criteria provided, single submitter. Criteria: Invitae Variant Classification Sherloc (09022015). Collection method: clinical testing. Allele origin: germline.
Comment: This sequence change replaces glutamine, which is neutral and polar, with leucine, which is neutral and non-polar, at codon 1278 of the GRIN2A protein (p.Gln1278Leu). This variant is not present in population databases (gnomAD no frequency). This variant has not been reported in the literature in individuals affected with GRIN2A-related conditions. Advanced modeling of protein sequence and biophysical properties (such as structural, functional, and spatial information, amino acid conservation, physicochemical variation, residue mobility, and thermodynamic stability) performed at Invitae indicates that this missense variant is not expected to disrupt GRIN2A protein function. In summary, the available evidence is currently insufficient to determine the role of this variant in disease. Therefore, it has been classified as a Variant of Uncertain Significance.

NM_001134407.3(GRIN2A):c.3833A>T (p.Gln1278Leu)

Gene: GRIN2A (glutamate ionotropic receptor NMDA type subunit 2A; minus strand). Cytogenetic location: 16p13.2.
Variant type: single nucleotide variant.
Coding change: c.3833A>T on transcript NM_001134407.3 (MANE Select); coding-DNA position 3833, A replaced by T.
Protein change: p.Gln1278Leu; replaces glutamine 1278 with leucine.
Molecular consequence: missense variant. On other transcripts: intron variant (1).
Genome position (GRCh38, 1-based): chr16:9,763,711, T>A on the plus strand (A>T on the coding strand, the complement: GRIN2A is on the minus strand). VCF-style: chr16-9763711-T-A. GRCh37 (hg19) VCF-style: chr16-9857568-T-A.
Other names: c.3833A>T, p.Gln1278Leu (NM_000833.5); c.3772+61A>T (NM_001134408.2); short protein forms Q1278L.
Identifiers: ClinVar variation 2821067 (VCV002821067.3), dbSNP rs1900706508, ClinGen allele CA394706748.
Genomic context (GRCh38, chr16:9,763,711, plus strand): 5'-TTGTCGACAATGTTATCGTAGGAATGCTGACGGCTAATCCTTAGCTTGTTCTTTTGTAAT[T>A]GAAGGGCATTGTTCTGTGCCCAGTCCTGCTGGTAGACCTGCTCCCCGGTGGCTGGGTTAC-3'
Protein context (NP_001127879.1, residues 1268-1288): QQDWAQNNAL[Gln1278Leu]LQKNKLRISR